The following is an entry in ClinVar:

NM_004055.5(CAPN5):c.608A>T (p.Asp203Val)

Gene: CAPN5 (calpain 5; plus strand). Cytogenetic location: 11q13.5.
Variant type: single nucleotide variant.
Coding change: c.608A>T on transcript NM_004055.5 (MANE Select); coding-DNA position 608, A replaced by T.
Protein change: p.Asp203Val; replaces aspartic acid 203 with valine.
Molecular consequence: missense variant. On other transcripts: non-coding transcript variant (1).
Genome position (GRCh38, 1-based): chr11:77,114,343, A>T. VCF-style: chr11-77114343-A-T. GRCh37 (hg19) VCF-style: chr11-76825389-A-T.
Other names: c.728A>T, p.Asp243Val (NM_001425321.1); c.608A>T, p.Asp203Val (NM_001425322.1); c.476A>T, p.Asp159Val (NM_001425323.1); short protein forms D159V, D203V, D243V.
Identifiers: ClinVar variation 3651899 (VCV003651899.2).

ClinVar aggregate classification (germline): Uncertain significance (1 of 4 stars; one submission).

Submission:

Labcorp Genetics (formerly Invitae), Labcorp
Classification: Uncertain significance. Last evaluated: 2024-05-02. Review status: criteria provided, single submitter. Criteria: Invitae Variant Classification Sherloc (09022015). Collection method: clinical testing. Allele origin: germline.
Comment: This sequence change replaces aspartic acid, which is acidic and polar, with valine, which is neutral and non-polar, at codon 203 of the CAPN5 protein (p.Asp203Val). This variant is not present in population databases (gnomAD no frequency). This variant has not been reported in the literature in individuals affected with CAPN5-related conditions. An algorithm developed to predict the effect of missense changes on protein structure and function (PolyPhen-2) suggests that this variant is likely to be disruptive. In summary, the available evidence is currently insufficient to determine the role of this variant in disease. Therefore, it has been classified as a Variant of Uncertain Significance.